The following is an entry in ClinVar:

NM_001457.4(FLNB):c.583G>A (p.Val195Met)

Gene: FLNB (filamin B; plus strand). Cytogenetic location: 3p14.3.
Variant type: single nucleotide variant.
Coding change: c.583G>A on transcript NM_001457.4 (MANE Select); coding-DNA position 583, G replaced by A.
Protein change: p.Val195Met; replaces valine 195 with methionine.
Molecular consequence: missense variant.
Genome position (GRCh38, 1-based): chr3:58,078,758, G>A. VCF-style: chr3-58078758-G-A. GRCh37 (hg19) VCF-style: chr3-58064485-G-A.
Other names: c.583G>A, p.Val195Met (NM_001164317.2, NM_001164318.2, NM_001164319.2); short protein forms V195M.
Identifiers: ClinVar variation 1405766 (VCV001405766.7), dbSNP rs1328223925, ClinGen allele CA353333847.
Genomic context (GRCh38, chr3:58,078,758, plus strand): 5'-TTTTGTGTTCTGTTAACAGGTCTGTGCCCAGACTGGGAATCCTGGGACCCGCAGAAGCCT[G>A]TGGATAATGCACGAGAAGCCATGCAGCAGGCAGATGACTGGCTGGGTGTCCCACAGGTAT-3'
Protein context (NP_001448.2, residues 185-205): DWESWDPQKP[Val195Met]DNAREAMQQA

ClinVar aggregate classification (germline): Uncertain significance (1 of 4 stars; one submission).

Allele frequency attached by ClinVar (database versions not stated): TOPMed below 0.00001; gnomAD 0.00002; gnomAD exomes 0.00002 and 0.00003.
gnomAD v4.1: 18 of 1,613,844 alleles (0.0011%); highest among the groups gnomAD compares: Non-Finnish European, 0.000085%; no homozygotes.

Submission:

Labcorp Genetics (formerly Invitae), Labcorp
Classification: Uncertain significance. Last evaluated: 2025-02-19. Review status: criteria provided, single submitter. Criteria: Invitae Variant Classification Sherloc (09022015). Collection method: clinical testing. Allele origin: germline.
Comment: This sequence change replaces valine, which is neutral and non-polar, with methionine, which is neutral and non-polar, at codon 195 of the FLNB protein (p.Val195Met). This variant is present in population databases (no rsID available, gnomAD 0.02%). This variant has not been reported in the literature in individuals affected with FLNB-related conditions. ClinVar contains an entry for this variant (Variation ID: 1405766). Invitae Evidence Modeling of protein sequence and biophysical properties (such as structural, functional, and spatial information, amino acid conservation, physicochemical variation, residue mobility, and thermodynamic stability) indicates that this missense variant is not expected to disrupt FLNB protein function with a negative predictive value of 95%. In summary, the available evidence is currently insufficient to determine the role of this variant in disease. Therefore, it has been classified as a Variant of Uncertain Significance.